The following is an entry in ClinVar:

NM_198578.4(LRRK2):c.6352A>T (p.Asn2118Tyr)

Gene: LRRK2 (leucine rich repeat kinase 2; plus strand). Cytogenetic location: 12q12.
Variant type: single nucleotide variant.
Coding change: c.6352A>T on transcript NM_198578.4 (MANE Select); coding-DNA position 6352, A replaced by T.
Protein change: p.Asn2118Tyr; replaces asparagine 2118 with tyrosine.
Molecular consequence: missense variant.
Genome position (GRCh38, 1-based): chr12:40,348,480, A>T. VCF-style: chr12-40348480-A-T. GRCh37 (hg19) VCF-style: chr12-40742282-A-T.
Other names: short protein forms N2118Y.
Identifiers: ClinVar variation 2453104 (VCV002453104.2), dbSNP rs2499972756, ClinGen allele CA384406219.

ClinVar aggregate classification (germline): Uncertain significance (1 of 4 stars; one submission).

Conditions:
Inborn genetic diseases. Identifiers: MedGen C0950123, MeSH D030342.

Allele frequency attached by ClinVar (database versions not stated): gnomAD exomes below 0.00001.
gnomAD v4.1: 1 of 1,612,648 alleles (0.000062%); highest among the groups gnomAD compares: Non-Finnish European, 0.000085%; no homozygotes.

Submission:

Ambry Genetics
Classification: Uncertain significance for Inborn genetic diseases. Last evaluated: 2023-02-04. Review status: criteria provided, single submitter. Criteria: Ambry Variant Classification Scheme 2023. Collection method: clinical testing. Allele origin: germline.
Comment: The p.N2118Y variant (also known as c.6352A>T), located in coding exon 43 of the LRRK2 gene, results from an A to T substitution at nucleotide position 6352. The asparagine at codon 2118 is replaced by tyrosine, an amino acid with dissimilar properties. This amino acid position is conserved. In addition, the in silico prediction for this alteration is inconclusive. Since supporting evidence is limited at this time, the clinical significance of this alteration remains unclear.